The following is an entry in ClinVar:

NM_033641.4(COL4A6):c.3855G>A (p.Ser1285=)

Gene: COL4A6 (collagen type IV alpha 6 chain; minus strand). Cytogenetic location: Xq22.3.
Variant type: single nucleotide variant.
Coding change: c.3855G>A on transcript NM_033641.4 (MANE Select); coding-DNA position 3855, G replaced by A.
Protein change: p.Ser1285=; no amino-acid change (serine 1285 retained).
Molecular consequence: synonymous variant.
Genome position (GRCh38, 1-based): chrX:108,164,992, C>T on the plus strand (G>A on the coding strand, the complement: COL4A6 is on the minus strand). VCF-style: chrX-108164992-C-T. GRCh37 (hg19) VCF-style: chrX-107408222-C-T.
Other names: c.3906G>A, p.Ser1302= (NM_001287758.2); c.3783G>A, p.Ser1261= (NM_001287759.2, NM_001287760.2); c.3858G>A, p.Ser1286= (NM_001847.4).
Identifiers: ClinVar variation 258277 (VCV000258277.13), dbSNP rs34132805, ClinGen allele CA10487308.

ClinVar aggregate classification (germline): Benign/Likely benign. Review status: criteria provided, multiple submitters, no conflicts (2 of 4 stars). 7 submissions from 7 submitters: Benign (6); Likely benign (1). Last evaluated 2026-01-27.

Conditions:
Hearing loss, X-linked 6. Also called: Deafness, X-linked 6. Identifiers: Orphanet 90625, MedGen C3806737, MONDO:0010484, OMIM 300914.

Allele frequency attached by ClinVar (database versions not stated): gnomAD exomes 0.00315 and 0.00910; ExAC 0.01154; 1000 Genomes Project 0.02887; gnomAD 0.02956 and 0.03145; 1000 Genomes Project 30x 0.03143; TOPMed 0.03500; ESP Exome Variant Server 0.03900.
gnomAD v4.1: 6,879 of 1,208,093 alleles (0.57%); highest among the groups gnomAD compares: African/African-American, 11%; 237 homozygotes.

Submissions (7):

Labcorp Genetics (formerly Invitae), Labcorp
Classification: Benign. Last evaluated: 2026-01-27. Review status: criteria provided, single submitter. Criteria: Invitae Variant Classification Sherloc (09022015). Collection method: clinical testing. Allele origin: germline.

Blueprint Genetics
Classification: Likely benign. Last evaluated: 2024-11-07. Review status: criteria provided, single submitter. Criteria: ACMG Guidelines, 2015. Collection method: clinical testing. Allele origin: germline.

Genome-Nilou Lab
Classification: Benign for Hearing loss, X-linked 6. Last evaluated: 2022-03-15. Review status: criteria provided, single submitter. Criteria: ACMG Guidelines, 2015. Collection method: clinical testing. Allele origin: germline. Affected: no.

Athena Diagnostics
Classification: Benign. Last evaluated: 2018-05-23. Review status: criteria provided, single submitter. Criteria: Athena Diagnostics Criteria. Collection method: clinical testing. Allele origin: germline.

GeneDx
Classification: Benign. Last evaluated: 2018-01-08. Review status: criteria provided, single submitter. Criteria: GeneDx Variant Classification (06012015). Collection method: clinical testing. Allele origin: germline. Affected: yes.
Comment: This variant is considered likely benign or benign based on one or more of the following criteria: it is a conservative change, it occurs at a poorly conserved position in the protein, it is predicted to be benign by multiple in silico algorithms, and/or has population frequency not consistent with disease.

Breakthrough Genomics
Classification: Benign. Review status: criteria provided, single submitter. Criteria: ACMG Guidelines, 2015. Collection method: not provided. Allele origin: germline. Inheritance: X-linked inheritance. Affected: yes.

PreventionGenetics, part of Exact Sciences
Classification: Benign. Review status: criteria provided, single submitter. Criteria: ACMG Guidelines, 2015. Collection method: clinical testing. Allele origin: germline.